The following is an entry in ClinVar:

NM_005585.5(SMAD6):c.403G>A (p.Ala135Thr)

Gene: SMAD6 (SMAD family member 6; plus strand). Cytogenetic location: 15q22.31.
Variant type: single nucleotide variant.
Coding change: c.403G>A on transcript NM_005585.5 (MANE Select); coding-DNA position 403, G replaced by A.
Protein change: p.Ala135Thr; replaces alanine 135 with threonine.
Molecular consequence: missense variant. On other transcripts: non-coding transcript variant (1).
Genome position (GRCh38, 1-based): chr15:66,703,661, G>A. VCF-style: chr15-66703661-G-A. GRCh37 (hg19) VCF-style: chr15-66995999-G-A.
Other names: c.403G>A (NM_005585.4); short protein forms A135T.
Identifiers: ClinVar variation 3674552 (VCV003674552.3).

ClinVar aggregate classification (germline): Uncertain significance. Review status: criteria provided, multiple submitters, no conflicts (2 of 4 stars). 2 submissions from 2 submitters: Uncertain significance (2). Last evaluated 2025-09-07.

Conditions:
Inborn genetic diseases. Identifiers: MedGen C0950123, MeSH D030342.
Aortic valve disease 2 (AOVD2). Identifiers: MedGen C3542024, MONDO:0013902, OMIM 614823.

gnomAD v4.1: 2 of 1,231,084 alleles (0.00016%); highest among the groups gnomAD compares: East Asian, 0.0034%; no homozygotes.

Submissions (2):

Ambry Genetics
Classification: Uncertain significance for Inborn genetic diseases. Last evaluated: 2025-09-07. Review status: criteria provided, single submitter. Criteria: Ambry Variant Classification Scheme 2023. Collection method: clinical testing. Allele origin: germline.
Comment: The p.A135T variant (also known as c.403G>A), located in coding exon 1 of the SMAD6 gene, results from a G to A substitution at nucleotide position 403. The alanine at codon 135 is replaced by threonine, an amino acid with similar properties. This amino acid position is conserved. In addition, this alteration is predicted to be tolerated by in silico analysis. Based on the available evidence, the clinical significance of this variant remains unclear.

Labcorp Genetics (formerly Invitae), Labcorp
Classification: Uncertain significance for Aortic valve disease 2. Last evaluated: 2024-11-25. Review status: criteria provided, single submitter. Criteria: Invitae Variant Classification Sherloc (09022015). Collection method: clinical testing. Allele origin: germline.
Comment: This sequence change replaces alanine, which is neutral and non-polar, with threonine, which is neutral and polar, at codon 135 of the SMAD6 protein (p.Ala135Thr). This variant is not present in population databases (gnomAD no frequency). This variant has not been reported in the literature in individuals affected with SMAD6-related conditions. An algorithm developed to predict the effect of missense changes on protein structure and function (PolyPhen-2) suggests that this variant is likely to be tolerated. In summary, the available evidence is currently insufficient to determine the role of this variant in disease. Therefore, it has been classified as a Variant of Uncertain Significance.